The following is an entry in ClinVar:

ClinVar aggregate classification (germline): Uncertain significance (1 of 4 stars; one submission).

gnomAD v4.1: 23 of 1,613,874 alleles (0.0014%); highest among the groups gnomAD compares: Non-Finnish European, 0.0019%; no homozygotes.

Submission:

Labcorp Genetics (formerly Invitae), Labcorp
Classification: Uncertain significance. Last evaluated: 2025-06-13. Review status: criteria provided, single submitter. Criteria: Invitae Variant Classification Sherloc (09022015). Collection method: clinical testing. Allele origin: germline.
Comment: This sequence change replaces threonine, which is neutral and polar, with alanine, which is neutral and non-polar, at codon 392 of the VIPAS39 protein (p.Thr392Ala). This variant is present in population databases (rs753955179, gnomAD 0.0009%). This variant has not been reported in the literature in individuals affected with VIPAS39-related conditions. Invitae Evidence Modeling of protein sequence and biophysical properties (such as structural, functional, and spatial information, amino acid conservation, physicochemical variation, residue mobility, and thermodynamic stability) indicates that this missense variant is not expected to disrupt VIPAS39 protein function with a negative predictive value of 80%. In summary, the available evidence is currently insufficient to determine the role of this variant in disease. Therefore, it has been classified as a Variant of Uncertain Significance.

NM_001193315.2(VIPAS39):c.1174A>G (p.Thr392Ala)

Gene: VIPAS39 (VPS33B interacting protein, apical-basolateral polarity regulator, spe-39 homolog; minus strand). Cytogenetic location: 14q24.3.
Variant type: single nucleotide variant.
Coding change: c.1174A>G on transcript NM_001193315.2 (MANE Select); coding-DNA position 1174, A replaced by G.
Protein change: p.Thr392Ala; replaces threonine 392 with alanine.
Molecular consequence: missense variant. On other transcripts: non-coding transcript variant (1), intron variant (1).
Genome position (GRCh38, 1-based): chr14:77,433,847, T>C on the plus strand (A>G on the coding strand, the complement: VIPAS39 is on the minus strand). VCF-style: chr14-77433847-T-C. GRCh37 (hg19) VCF-style: chr14-77900190-T-C.
Other names: c.1174A>G, p.Thr392Ala (NM_001193314.2, NM_001193317.2, NM_001400326.1 and 5 more transcripts); c.1027A>G, p.Thr343Ala (NM_001193316.2, NM_001400324.1, NM_001400325.1); c.1141A>G, p.Thr381Ala (NM_001400327.1); c.1081A>G, p.Thr361Ala (NM_001400333.1, NM_001400334.1); c.1039A>G, p.Thr347Ala (NM_001400336.1); c.934A>G, p.Thr312Ala (NM_001400337.1); c.889A>G, p.Thr297Ala (NM_001400339.1); c.987+415A>G (NM_001400338.1); short protein forms T297A, T381A, T392A, T312A, T343A, T361A, T347A.
Identifiers: ClinVar variation 4766708 (VCV004766708.1).